The following is an entry in ClinVar:

ClinVar aggregate classification (germline): Uncertain significance (1 of 4 stars; one submission).

gnomAD v4.1: 13 of 1,612,754 alleles (0.00081%); highest among the groups gnomAD compares: African/African-American, 0.0027%; no homozygotes.

Submission:

GeneDx
Classification: Uncertain significance. Last evaluated: 2023-12-28. Review status: criteria provided, single submitter. Criteria: GeneDx Variant Classification Process June 2021. Collection method: clinical testing. Allele origin: germline. Affected: yes.
Comment: Not observed at significant frequency in large population cohorts (gnomAD); In silico analysis supports that this missense variant has a deleterious effect on protein structure/function; Has not been previously published as pathogenic or benign to our knowledge

NM_004793.4(LONP1):c.1928A>C (p.Asp643Ala)

Gene: LONP1 (lon peptidase 1, mitochondrial; minus strand). Cytogenetic location: 19p13.3.
Variant type: single nucleotide variant.
Coding change: c.1928A>C on transcript NM_004793.4 (MANE Select); coding-DNA position 1928, A replaced by C.
Protein change: p.Asp643Ala; replaces aspartic acid 643 with alanine.
Molecular consequence: missense variant. On other transcripts: non-coding transcript variant (1).
Genome position (GRCh38, 1-based): chr19:5,696,139, T>G on the plus strand (A>C on the coding strand, the complement: LONP1 is on the minus strand). VCF-style: chr19-5696139-T-G. GRCh37 (hg19) VCF-style: chr19-5696150-T-G.
Other names: c.1736A>C, p.Asp579Ala (NM_001276479.2); c.1340A>C, p.Asp447Ala (NM_001276480.1); short protein forms D447A, D579A, D643A.
Identifiers: ClinVar variation 3367272 (VCV003367272.1).